The following is an entry in ClinVar:

ClinVar aggregate classification (germline): Pathogenic (1 of 4 stars; one submission).

Submission:

Labcorp Genetics (formerly Invitae), Labcorp
Classification: Pathogenic. Last evaluated: 2025-01-15. Review status: criteria provided, single submitter. Criteria: Invitae Variant Classification Sherloc (09022015). Collection method: clinical testing. Allele origin: germline.
Comment: This sequence change creates a premature translational stop signal (p.Arg546Glufs*18) in the MBD4 gene. While this is not anticipated to result in nonsense mediated decay, it is expected to disrupt the last 35 amino acid(s) of the MBD4 protein. This variant is not present in population databases (gnomAD no frequency). This variant has not been reported in the literature in individuals affected with MBD4-related conditions. Experimental studies and prediction algorithms are not available or were not evaluated, and the functional significance of this variant is currently unknown. This variant disrupts a region of the MBD4 protein in which other variant(s) (p.Leu563*) have been determined to be pathogenic (PMID: 30049810, 30714079, 32239153, 35460607; internal data). This suggests that this is a clinically significant region of the protein, and that variants that disrupt it are likely to be disease-causing. For these reasons, this variant has been classified as Pathogenic.

Literature cited by the submitters: PubMed 30049810; PubMed 30714079; PubMed 32239153; PubMed 35460607.

NM_001276270.2(MBD4):c.1618del (p.Arg540fs)

Gene: MBD4 (methyl-CpG binding domain 4, DNA glycosylase; minus strand). Cytogenetic location: 3q21.3.
Variant type: Deletion.
Coding change: c.1618del on transcript NM_001276270.2 (MANE Select); coding-DNA position 1618, one base deleted (C; older notation c.1618delC).
Protein change: p.Arg540fs; shifts the reading frame from arginine 540.
Molecular consequence: frameshift variant. On other transcripts: intron variant (1).
Genome position (GRCh38, 1-based): chr3:129,432,532, G deleted on the plus strand (C on the coding strand, the reverse complement: MBD4 is on the minus strand); the first of 2 consecutive G bases (chr3:129,432,532-129,432,533); deleting either gives the same sequence. VCF-style (leftmost placement, unchanged base first): chr3-129432531-CG-C. GRCh37 (hg19) VCF-style: chr3-129151374-CG-C.
Other names: c.1636del, p.Arg546fs (NM_001276271.2, NM_003925.3); c.682del, p.Arg228fs (NM_001276273.2); c.1612+24del (NM_001276272.2); short protein forms R228fs, R540fs, R546fs.
Identifiers: ClinVar variation 3656379 (VCV003656379.2).